The following is an entry in ClinVar:

ClinVar aggregate classification (germline): Uncertain significance. Review status: criteria provided, multiple submitters, no conflicts (2 of 4 stars). 4 submissions from 4 submitters: Uncertain significance (4). Last evaluated 2025-12-20.

Conditions:
Cardiovascular phenotype. Identifiers: MedGen CN230736.
Hereditary cancer-predisposing syndrome. Also called: Hereditary neoplastic syndrome; Neoplastic Syndromes, Hereditary; Tumor predisposition; Hereditary Cancer Syndrome. Identifiers: Orphanet 140162, MedGen C0027672, MeSH D009386, MONDO:0015356.
Juvenile myelomonocytic leukemia (JMML). Also called: LEUKEMIA, JUVENILE MYELOMONOCYTIC, SOMATIC. Identifiers: Orphanet 86834, MedGen C0349639, MONDO:0011908, OMIM 607785, HP:0012209.
Neurofibromatosis-Noonan syndrome (NFNS). Also called: NEUROFIBROMATOSIS WITH NOONAN PHENOTYPE. Identifiers: Orphanet 638, MedGen C2931482, MONDO:0011035, OMIM 601321. Disease mechanism: loss of function.
Neurofibromatosis, familial spinal (FSNF). Identifiers: Orphanet 636, MedGen C1834235, MONDO:0008078, OMIM 162210. Disease mechanism: loss of function.
Neurofibromatosis, type 1 (NF1). Also called: VON RECKLINGHAUSEN DISEASE; Peripheral type neurofibromatosis; NEUROFIBROMATOSIS, TYPE I, SOMATIC; Neurofibromatosis, type I. Identifiers: Orphanet 636, MedGen C0027831, MONDO:0018975, OMIM 162200. Disease mechanism: loss of function.
Café-au-lait macules with pulmonary stenosis (WTSN). Also called: PULMONIC STENOSIS WITH CAFE-AU-LAIT SPOTS. Identifiers: MedGen C0553586, MONDO:0008672, OMIM 193520.

Allele frequency attached by ClinVar (database versions not stated): gnomAD exomes below 0.00001; ExAC 0.00001.
gnomAD v4.1: 1 of 1,612,672 alleles (0.000062%); highest among the groups gnomAD compares: Admixed American, 0.0017%; no homozygotes.

Submissions (4):

Labcorp Genetics (formerly Invitae), Labcorp
Classification: Uncertain significance for Neurofibromatosis, type 1. Last evaluated: 2025-12-20. Review status: criteria provided, single submitter. Criteria: Invitae Variant Classification Sherloc (09022015). Collection method: clinical testing. Allele origin: germline.
Comment: This sequence change replaces glycine, which is neutral and non-polar, with arginine, which is basic and polar, at codon 26 of the NF1 protein (p.Gly26Arg). This variant is present in population databases (rs778973022, gnomAD 0.003%). This variant has not been reported in the literature in individuals affected with NF1-related conditions. ClinVar contains an entry for this variant (Variation ID: 480178). Invitae Evidence Modeling of protein sequence and biophysical properties (such as structural, functional, and spatial information, amino acid conservation, physicochemical variation, residue mobility, and thermodynamic stability) indicates that this missense variant is not expected to disrupt NF1 protein function with a negative predictive value of 95%. In summary, the available evidence is currently insufficient to determine the role of this variant in disease. Therefore, it has been classified as a Variant of Uncertain Significance.

Fulgent Genetics
Classification: Uncertain significance for Neurofibromatosis, type 1; Neurofibromatosis, familial spinal; Café-au-lait macules with pulmonary stenosis; Neurofibromatosis-Noonan syndrome; Juvenile myelomonocytic leukemia. Last evaluated: 2024-03-17. Review status: criteria provided, single submitter. Criteria: ACMG Guidelines, 2015. Collection method: clinical testing. Allele origin: germline.

Genome-Nilou Lab
Classification: Uncertain significance for Neurofibromatosis, type 1. Last evaluated: 2022-03-15. Review status: criteria provided, single submitter. Criteria: ACMG Guidelines, 2015. Collection method: clinical testing. Allele origin: germline. Affected: no.

Ambry Genetics
Classification: Uncertain significance for Cardiovascular phenotype; Hereditary cancer-predisposing syndrome. Last evaluated: 2016-12-08. Review status: criteria provided, single submitter. Criteria: Ambry Variant Classification Scheme 2023. Collection method: clinical testing. Allele origin: germline.
Comment: The p.G26R variant (also known as c.76G>A), located in coding exon 2 of the NF1 gene, results from a G to A substitution at nucleotide position 76. The glycine at codon 26 is replaced by arginine, an amino acid with dissimilar properties. This amino acid position is well conserved in available vertebrate species. In addition, this alteration is predicted to be tolerated by in silico analysis. Since supporting evidence is limited at this time, the clinical significance of this alteration remains unclear.

NM_001042492.3(NF1):c.76G>A (p.Gly26Arg)

Gene: NF1 (neurofibromin 1; plus strand). Cytogenetic location: 17q11.2.
Variant type: single nucleotide variant.
Coding change: c.76G>A on transcript NM_001042492.3 (MANE Select); coding-DNA position 76, G replaced by A.
Protein change: p.Gly26Arg; replaces glycine 26 with arginine.
Molecular consequence: missense variant.
Genome position (GRCh38, 1-based): chr17:31,155,998, G>A. VCF-style: chr17-31155998-G-A. GRCh37 (hg19) VCF-style: chr17-29483016-G-A.
Other names: c.76G>A, p.Gly26Arg (NM_000267.4, NM_001128147.3); short protein forms G26R.
Identifiers: ClinVar variation 480178 (VCV000480178.14), dbSNP rs778973022, ClinGen allele CA8485475.